The following is an entry in ClinVar:

NM_001174147.2(LMX1B):c.459C>T (p.Gly153=)

Gene: LMX1B (LIM homeobox transcription factor 1 beta; plus strand). Cytogenetic location: 9q33.3.
Variant type: single nucleotide variant.
Coding change: c.459C>T on transcript NM_001174147.2 (MANE Select); coding-DNA position 459, C replaced by T.
Protein change: p.Gly153=; no amino-acid change (glycine 153 retained).
Molecular consequence: synonymous variant.
Genome position (GRCh38, 1-based): chr9:126,690,968, C>T. VCF-style: chr9-126690968-C-T. GRCh37 (hg19) VCF-style: chr9-129453247-C-T.
Other names: c.459C>T, p.Gly153= (NM_001174146.2, NM_002316.4).
Identifiers: ClinVar variation 364878 (VCV000364878.13), dbSNP rs779330478, ClinGen allele CA5242316.
Genomic context (GRCh38, chr9:126,690,968, plus strand): 5'-GTGCGTGTACCACCTGGGCTGCTTCTGCTGCTGCGTGTGTGAACGGCAGCTACGCAAGGG[C>T]GACGAATTCGTGCTCAAGGAGGGCCAGCTGCTGTGCAAGGGTGACTACGAGAAGGAGAAG-3'
Protein context (NP_001167618.1, residues 143-163): CCVCERQLRK[Gly153=]DEFVLKEGQL

ClinVar aggregate classification (germline): Likely benign. Review status: criteria provided, multiple submitters, no conflicts (2 of 4 stars). 3 submissions from 3 submitters: Likely benign (3). Last evaluated 2025-10-23.

Conditions:
Nail-patella syndrome (NPS). Also called: FONG DISEASE; TURNER-KIESER SYNDROME; ONYCHOOSTEODYSPLASIA. Identifiers: Orphanet 2614, MedGen C0027341, MONDO:0008061, OMIM 161200.

Allele frequency attached by ClinVar (database versions not stated): ExAC 0.00003; gnomAD 0.00003 and 0.00004; TOPMed 0.00006; gnomAD exomes 0.00007.
gnomAD v4.1: 76 of 1,613,922 alleles (0.0047%); highest among the groups gnomAD compares: Admixed American, 0.0067%; no homozygotes.

Submissions (3):

Labcorp Genetics (formerly Invitae), Labcorp
Classification: Likely benign. Last evaluated: 2025-10-23. Review status: criteria provided, single submitter. Criteria: Invitae Variant Classification Sherloc (09022015). Collection method: clinical testing. Allele origin: germline.

Blueprint Genetics
Classification: Likely benign. Last evaluated: 2024-07-24. Review status: criteria provided, single submitter. Criteria: ACMG Guidelines, 2015. Collection method: clinical testing. Allele origin: germline.

Illumina Laboratory Services, Illumina
Classification: Likely benign for Nail-patella syndrome. Last evaluated: 2018-01-13. Review status: criteria provided, single submitter. Criteria: ICSL Variant Classification Criteria 13 December 2019. Collection method: clinical testing. Allele origin: germline.
Comment: This variant was observed in the ICSL laboratory as part of a predisposition screen in an ostensibly healthy population. It had not been previously curated by ICSL or reported in the Human Gene Mutation Database (HGMD: prior to June 1st, 2018), and was therefore a candidate for classification through an automated scoring system. Utilizing variant allele frequency, disease prevalence and penetrance estimates, and inheritance mode, an automated score was calculated to assess if this variant is too frequent to cause the disease. Based on the score and internal cut-off values, a variant classified as likely benign is not then subjected to further curation. The score for this variant resulted in a classification of likely benign for this disease.